The following is an entry in ClinVar:

NM_006392.4(NOP56):c.797G>A (p.Ser266Asn)

Gene: NOP56 (NOP56 ribonucleoprotein; plus strand). Cytogenetic location: 20p13.
Variant type: single nucleotide variant.
Coding change: c.797G>A on transcript NM_006392.4 (MANE Select); coding-DNA position 797, G replaced by A.
Protein change: p.Ser266Asn; replaces serine 266 with asparagine.
Molecular consequence: missense variant. On other transcripts: non-coding transcript variant (2).
Genome position (GRCh38, 1-based): chr20:2,655,634, G>A. VCF-style: chr20-2655634-G-A. GRCh37 (hg19) VCF-style: chr20-2636280-G-A.
Other names: short protein forms S266N.
Identifiers: ClinVar variation 4084359 (VCV004084359.8).

ClinVar aggregate classification (germline): Uncertain significance (1 of 4 stars; one submission).

gnomAD v4.1: 4 of 1,614,200 alleles (0.00025%); highest among the groups gnomAD compares: Non-Finnish European, 0.00034%; no homozygotes.

Submission:

CeGaT Center for Human Genetics Tuebingen
Classification: Uncertain significance. Last evaluated: 2025-08-01. Review status: criteria provided, single submitter. Criteria: CeGaT Center For Human Genetics Tuebingen Variant Classification Criteria Version 2. Collection method: clinical testing. Allele origin: germline. Affected: yes. Observed: 1 variant allele.
Comment: NOP56: PM2